The following is an entry in ClinVar:

NM_000136.3(FANCC):c.148G>A (p.Glu50Lys)

Gene: FANCC (FA complementation group C; minus strand). Cytogenetic location: 9q22.32.
Variant type: single nucleotide variant.
Coding change: c.148G>A on transcript NM_000136.3 (MANE Select); coding-DNA position 148, G replaced by A.
Protein change: p.Glu50Lys; replaces glutamic acid 50 with lysine.
Molecular consequence: missense variant.
Genome position (GRCh38, 1-based): chr9:95,249,144, C>T on the plus strand (G>A on the coding strand, the complement: FANCC is on the minus strand). VCF-style: chr9-95249144-C-T. GRCh37 (hg19) VCF-style: chr9-98011426-C-T.
Other names: c.148G>A, p.Glu50Lys (NM_001243743.2, NM_001243744.2); short protein forms E50K.
Identifiers: ClinVar variation 3512769 (VCV003512769.1).

ClinVar aggregate classification (germline): Uncertain significance (1 of 4 stars; one submission).

Conditions:
Hereditary cancer-predisposing syndrome. Also called: Tumor predisposition; Neoplastic Syndromes, Hereditary; Hereditary Cancer Syndrome; Hereditary neoplastic syndrome. Identifiers: Orphanet 140162, MedGen C0027672, MeSH D009386, MONDO:0015356.

Submission:

Ambry Genetics
Classification: Uncertain significance for Hereditary cancer-predisposing syndrome. Last evaluated: 2024-08-11. Review status: criteria provided, single submitter. Criteria: Ambry Variant Classification Scheme 2023. Collection method: clinical testing. Allele origin: germline.
Comment: The p.E50K variant (also known as c.148G>A), located in coding exon 1 of the FANCC gene, results from a G to A substitution at nucleotide position 148. The glutamic acid at codon 50 is replaced by lysine, an amino acid with similar properties. This amino acid position is conserved. In addition, this alteration is predicted to be tolerated by in silico analysis. Based on the available evidence, the clinical significance of this variant remains unclear.